The following is an entry in ClinVar:

NM_199355.4(ADAMTS18):c.1054C>A (p.Pro352Thr)

Gene: ADAMTS18 (ADAM metallopeptidase with thrombospondin type 1 motif 18; minus strand). Cytogenetic location: 16q23.1.
Variant type: single nucleotide variant.
Coding change: c.1054C>A on transcript NM_199355.4 (MANE Select); coding-DNA position 1054, C replaced by A.
Protein change: p.Pro352Thr; replaces proline 352 with threonine.
Molecular consequence: missense variant.
Genome position (GRCh38, 1-based): chr16:77,363,804, G>T on the plus strand (C>A on the coding strand, the complement: ADAMTS18 is on the minus strand). VCF-style: chr16-77363804-G-T. GRCh37 (hg19) VCF-style: chr16-77397701-G-T.
Other names: c.538C>A, p.Pro180Thr (NM_001326358.2); short protein forms P180T, P352T.
Identifiers: ClinVar variation 1017282 (VCV001017282.7), dbSNP rs766635099, ClinGen allele CA396836281.
Genomic context (GRCh38, chr16:77,363,804, plus strand): 5'-AAGAAATGTATTCTGAACGGCAGACTGAATGAAGACATAAATGAAGTTTGCCACTTACAG[G>T]TTCTTGTTCCAGAAGAATTAGGCTCACCACAACCACGTTTATGTCACTTCCAATAGTCCC-3'
Protein context (NP_955387.1, residues 342-362): VVSLILLEQE[Pro352Thr]GGLLINHHAD

ClinVar aggregate classification (germline): Uncertain significance (1 of 4 stars; one submission).

gnomAD v4.1: 1 of 1,613,730 alleles (0.000062%); highest among the groups gnomAD compares: Non-Finnish European, 0.000085%; no homozygotes.

Submission:

Labcorp Genetics (formerly Invitae), Labcorp
Classification: Uncertain significance. Last evaluated: 2020-10-06. Review status: criteria provided, single submitter. Criteria: Invitae Variant Classification Sherloc (09022015). Collection method: clinical testing. Allele origin: germline.
Comment: In summary, the available evidence is currently insufficient to determine the role of this variant in disease. Therefore, it has been classified as a Variant of Uncertain Significance. Algorithms developed to predict the effect of missense changes on protein structure and function are either unavailable or do not agree on the potential impact of this missense change (SIFT: "Not Available"; PolyPhen-2: "Possibly Damaging"; Align-GVGD: "Not Available"). This variant has not been reported in the literature in individuals with ADAMTS18-related conditions. This variant is not present in population databases (ExAC no frequency). This sequence change replaces proline with threonine at codon 352 of the ADAMTS18 protein (p.Pro352Thr). The proline residue is highly conserved and there is a small physicochemical difference between proline and threonine.